The following is an entry in ClinVar:

NM_207352.4(CYP4V2):c.79G>A (p.Ala27Thr)

Gene: CYP4V2 (cytochrome P450 family 4 subfamily V member 2; plus strand). Cytogenetic location: 4q35.1.
Variant type: single nucleotide variant.
Coding change: c.79G>A on transcript NM_207352.4 (MANE Select); coding-DNA position 79, G replaced by A.
Protein change: p.Ala27Thr; replaces alanine 27 with threonine.
Molecular consequence: missense variant.
Genome position (GRCh38, 1-based): chr4:186,191,902, G>A. VCF-style: chr4-186191902-G-A. GRCh37 (hg19) VCF-style: chr4-187113056-G-A.
Other names: short protein forms A27T.
Identifiers: ClinVar variation 1906530 (VCV001906530.5), dbSNP rs1245358016, ClinGen allele CA358946506.

ClinVar aggregate classification (germline): Uncertain significance (1 of 4 stars; one submission).

Allele frequency attached by ClinVar (database versions not stated): gnomAD exomes below 0.00001; TOPMed below 0.00001; gnomAD 0.00001.
gnomAD v4.1: 8 of 1,591,756 alleles (0.0005%); highest among the groups gnomAD compares: Admixed American, 0.0034%; no homozygotes.

Submission:

Labcorp Genetics (formerly Invitae), Labcorp
Classification: Uncertain significance. Last evaluated: 2023-11-27. Review status: criteria provided, single submitter. Criteria: Invitae Variant Classification Sherloc (09022015). Collection method: clinical testing. Allele origin: germline.
Comment: This sequence change replaces alanine, which is neutral and non-polar, with threonine, which is neutral and polar, at codon 27 of the CYP4V2 protein (p.Ala27Thr). This variant is not present in population databases (gnomAD no frequency). This variant has not been reported in the literature in individuals affected with CYP4V2-related conditions. ClinVar contains an entry for this variant (Variation ID: 1906530). Advanced modeling of protein sequence and biophysical properties (such as structural, functional, and spatial information, amino acid conservation, physicochemical variation, residue mobility, and thermodynamic stability) performed at Invitae indicates that this missense variant is not expected to disrupt CYP4V2 protein function with a negative predictive value of 95%. In summary, the available evidence is currently insufficient to determine the role of this variant in disease. Therefore, it has been classified as a Variant of Uncertain Significance.